The following is an entry in ClinVar:

NM_144670.6(A2ML1):c.1683+3A>G

Gene: A2ML1 (alpha-2-macroglobulin like 1; plus strand). Cytogenetic location: 12p13.31.
Variant type: single nucleotide variant.
Coding change: c.1683+3A>G on transcript NM_144670.6 (MANE Select); 3 bases into the intron after coding-DNA position 1683, A replaced by G.
Molecular consequence: intron variant.
Genome position (GRCh38, 1-based): chr12:8,846,225, A>G. VCF-style: chr12-8846225-A-G. GRCh37 (hg19) VCF-style: chr12-8998821-A-G.
Other names: c.210+3A>G (NM_001282424.3).
Identifiers: ClinVar variation 1008386 (VCV001008386.6), dbSNP rs757399094, ClinGen allele CA6435764.

ClinVar aggregate classification (germline): Uncertain significance (1 of 4 stars; one submission).

Allele frequency attached by ClinVar (database versions not stated): gnomAD exomes below 0.00001; ExAC 0.00001.

Submission:

Labcorp Genetics (formerly Invitae), Labcorp
Classification: Uncertain significance. Last evaluated: 2022-08-18. Review status: criteria provided, single submitter. Criteria: Invitae Variant Classification Sherloc (09022015). Collection method: clinical testing. Allele origin: germline.
Comment: ClinVar contains an entry for this variant (Variation ID: 1008386). In summary, the available evidence is currently insufficient to determine the role of this variant in disease. Therefore, it has been classified as a Variant of Uncertain Significance. Variants that disrupt the consensus splice site are a relatively common cause of aberrant splicing (PMID: 17576681, 9536098). Algorithms developed to predict the effect of sequence changes on RNA splicing suggest that this variant is not likely to affect RNA splicing. This variant has not been reported in the literature in individuals affected with A2ML1-related conditions. This variant is present in population databases (rs757399094, gnomAD 0.006%). This sequence change falls in intron 14 of the A2ML1 gene. It does not directly change the encoded amino acid sequence of the A2ML1 protein. It affects a nucleotide within the consensus splice site.

Literature cited by the submitters: PubMed 17576681; PubMed 9536098.